The following is an entry in ClinVar:

NM_144498.4(OSBPL2):c.855A>G (p.Gly285=)

Gene: OSBPL2 (oxysterol binding protein like 2; plus strand). Cytogenetic location: 20q13.33.
Variant type: single nucleotide variant.
Coding change: c.855A>G on transcript NM_144498.4 (MANE Select); coding-DNA position 855, A replaced by G.
Protein change: p.Gly285=; no amino-acid change (glycine 285 retained).
Molecular consequence: synonymous variant.
Genome position (GRCh38, 1-based): chr20:62,281,862, A>G. VCF-style: chr20-62281862-A-G. GRCh37 (hg19) VCF-style: chr20-60856918-A-G.
Other names: c.579A>G, p.Gly193= (NM_001278649.3, NM_001363878.2); c.819A>G, p.Gly273= (NM_014835.5).
Identifiers: ClinVar variation 4751445 (VCV004751445.2).

ClinVar aggregate classification (germline): Conflicting classifications of pathogenicity. Review status: criteria provided, conflicting classifications (1 of 4 stars). 2 submissions from 2 submitters: Uncertain significance (1); Likely benign (1). Last evaluated 2025-12-26.

gnomAD v4.1: 14 of 1,611,452 alleles (0.00087%); highest among the groups gnomAD compares: Non-Finnish European, 0.0011%; no homozygotes.

Submissions (2):

Labcorp Genetics (formerly Invitae), Labcorp
Classification: Uncertain significance. Last evaluated: 2025-12-26. Review status: criteria provided, single submitter. Criteria: Invitae Variant Classification Sherloc (09022015). Collection method: clinical testing. Allele origin: germline.
Comment: This sequence change affects codon 285 of the OSBPL2 mRNA. It is a 'silent' change, meaning that it does not change the encoded amino acid sequence of the OSBPL2 protein. This variant is present in population databases (rs751578923, gnomAD 0.004%). This variant has not been reported in the literature in individuals affected with OSBPL2-related conditions. Algorithms developed to predict the effect of sequence changes on RNA splicing suggest that this variant may disrupt the consensus splice site. In summary, the available evidence is currently insufficient to determine the role of this variant in disease. Therefore, it has been classified as a Variant of Uncertain Significance.

Blueprint Genetics
Classification: Likely benign. Last evaluated: 2023-10-27. Review status: criteria provided, single submitter. Criteria: ACMG Guidelines, 2015. Collection method: clinical testing. Allele origin: germline.